The following is an entry in ClinVar:

NM_022356.3(P3H1):c.-165G>C

Gene: P3H1 (prolyl 3-hydroxylase 1; minus strand). Cytogenetic location: 1p34.2.
Variant type: single nucleotide variant.
Coding change: c.-165G>C on transcript NM_022356.3; 165 bases upstream of the start codon, G replaced by C.
Genome position (GRCh38, 1-based): chr1:42,767,136, C>G on the plus strand (G>C on the coding strand, the complement: P3H1 is on the minus strand). VCF-style: chr1-42767136-C-G. GRCh37 (hg19) VCF-style: chr1-43232807-C-G.
Identifiers: ClinVar variation 674898 (VCV000674898.4), dbSNP rs3738504, ClinGen allele CA10723423.

ClinVar aggregate classification (germline): Benign. Review status: criteria provided, multiple submitters, no conflicts (2 of 4 stars). 2 submissions from 2 submitters: Benign (2). Last evaluated 2018-06-19.

Allele frequency attached by ClinVar (database versions not stated): gnomAD 0.59343 and 0.60012; 1000 Genomes Project 0.64956; 1000 Genomes Project 30x 0.65100; TOPMed 0.59977.

Submissions (2):

GeneDx
Classification: Benign. Last evaluated: 2018-06-19. Review status: criteria provided, single submitter. Criteria: GeneDx Variant Classification (06012015). Collection method: clinical testing. Allele origin: germline. Affected: yes.
Comment: This variant is considered likely benign or benign based on one or more of the following criteria: it is a conservative change, it occurs at a poorly conserved position in the protein, it is predicted to be benign by multiple in silico algorithms, and/or has population frequency not consistent with disease.

Breakthrough Genomics
Classification: Benign. Review status: criteria provided, single submitter. Criteria: ACMG Guidelines, 2015. Collection method: not provided. Allele origin: germline. Inheritance: Autosomal recessive inheritance. Affected: yes.